The following is an entry in ClinVar:

ClinVar aggregate classification (germline): Uncertain significance (1 of 4 stars; one submission).

Conditions:
Hereditary cancer-predisposing syndrome. Also called: Neoplastic Syndromes, Hereditary; Tumor predisposition; Hereditary neoplastic syndrome; Hereditary Cancer Syndrome. Identifiers: Orphanet 140162, MedGen C0027672, MeSH D009386, MONDO:0015356.

Submission:

Ambry Genetics
Classification: Uncertain significance for Hereditary cancer-predisposing syndrome. Last evaluated: 2026-07-07. Review status: criteria provided, single submitter. Criteria: Ambry Variant Classification Scheme 2023. Collection method: clinical testing. Allele origin: germline.
Comment: The p.A2460S variant (also known as c.7378G>T), located in coding exon 15 of the APC gene, results from a G to T substitution at nucleotide position 7378. The alanine at codon 2460 is replaced by serine, an amino acid with similar properties. This amino acid position is conserved. In addition, in silico predictors for this gene do not accurately predict pathogenicity. Based on the available evidence, the clinical significance of this variant remains unclear.

NM_000038.6(APC):c.7378G>T (p.Ala2460Ser)

Gene: APC (APC regulator of Wnt signaling pathway; plus strand). Cytogenetic location: 5q22.2.
Variant type: single nucleotide variant.
Coding change: c.7378G>T on transcript NM_000038.6 (MANE Select); coding-DNA position 7378, G replaced by T.
Protein change: p.Ala2460Ser; replaces alanine 2460 with serine.
Molecular consequence: missense variant. On other transcripts: non-coding transcript variant (2).
Genome position (GRCh38, 1-based): chr5:112,842,972, G>T. VCF-style: chr5-112842972-G-T. GRCh37 (hg19) VCF-style: chr5-112178669-G-T.
Other names: c.7105G>T, p.Ala2369Ser (NM_001354902.2); c.7075G>T, p.Ala2359Ser (NM_001354903.2, NM_001407458.1, NM_001407459.1 and 1 more transcripts); c.7000G>T, p.Ala2334Ser (NM_001354904.2); c.6898G>T, p.Ala2300Ser (NM_001354905.2); c.6529G>T, p.Ala2177Ser (NM_001354906.2, NM_001407470.1); c.7462G>T, p.Ala2488Ser (NM_001407446.1); c.7432G>T, p.Ala2478Ser (NM_001407447.1, NM_001407448.1, NM_001407449.1 and 1 more transcripts); c.7378G>T, p.Ala2460Ser (NM_001407450.1, NM_001127510.3, NM_001354895.2); and 11 more; short protein forms A2177S, A2453S, A2470S, A2334S, A2359S, A2377S, A2442S, A2460S.
Identifiers: ClinVar variation 5025095 (VCV005025095.1).